The following is an entry in ClinVar:

NM_001134407.3(GRIN2A):c.2122T>G (p.Phe708Val)

Gene: GRIN2A (glutamate ionotropic receptor NMDA type subunit 2A; minus strand). Cytogenetic location: 16p13.2.
Variant type: single nucleotide variant.
Coding change: c.2122T>G on transcript NM_001134407.3 (MANE Select); coding-DNA position 2122, T replaced by G.
Protein change: p.Phe708Val; replaces phenylalanine 708 with valine.
Molecular consequence: missense variant.
Genome position (GRCh38, 1-based): chr16:9,822,310, A>C on the plus strand (T>G on the coding strand, the complement: GRIN2A is on the minus strand). VCF-style: chr16-9822310-A-C. GRCh37 (hg19) VCF-style: chr16-9916167-A-C.
Other names: c.2122T>G, p.Phe708Val (NM_000833.5, NM_001134408.2); short protein forms F708V.
Identifiers: ClinVar variation 2748726 (VCV002748726.3), dbSNP rs2506094435, ClinGen allele CA394797746.
Genomic context (GRCh38, chr16:9,822,310, plus strand): 5'-ACTGCCATCCTTACCCCGTTTTCAGGCTGACCAAGGCGTCCTCTACTCCTTTCTGATTAA[A>C]TTTGGTCATGTACTGATGCATGTAGGGATAGTTATTCCGAATGTTTCTCTCCGTGCTTCC-3'
Protein context (NP_001127879.1, residues 698-718): YPYMHQYMTK[Phe708Val]NQKGVEDALV

ClinVar aggregate classification (germline): Uncertain significance (1 of 4 stars; one submission).

Conditions:
Landau-Kleffner syndrome (FESD). Also called: APHASIA, ACQUIRED, WITH EPILEPSY; EPILEPSY, FOCAL, WITH SPEECH DISORDER AND WITH OR WITHOUT MENTAL RETARDATION. Identifiers: Orphanet 1945, Orphanet 725, Orphanet 98818, MedGen C0282512, MONDO:0009509, OMIM 245570.

Submission:

Labcorp Genetics (formerly Invitae), Labcorp
Classification: Uncertain significance for Landau-Kleffner syndrome. Last evaluated: 2023-06-07. Review status: criteria provided, single submitter. Criteria: Invitae Variant Classification Sherloc (09022015). Collection method: clinical testing. Allele origin: germline.
Comment: This sequence change replaces phenylalanine, which is neutral and non-polar, with valine, which is neutral and non-polar, at codon 708 of the GRIN2A protein (p.Phe708Val). This variant is not present in population databases (gnomAD no frequency). In summary, the available evidence is currently insufficient to determine the role of this variant in disease. Therefore, it has been classified as a Variant of Uncertain Significance. Advanced modeling of protein sequence and biophysical properties (such as structural, functional, and spatial information, amino acid conservation, physicochemical variation, residue mobility, and thermodynamic stability) has been performed at Invitae for this missense variant, however the output from this modeling did not meet the statistical confidence thresholds required to predict the impact of this variant on GRIN2A protein function. This variant has not been reported in the literature in individuals affected with GRIN2A-related conditions.